The following is an entry in ClinVar:

ClinVar aggregate classification (germline): Conflicting classifications of pathogenicity. Review status: criteria provided, conflicting classifications (1 of 4 stars). 4 submissions from 4 submitters: Uncertain significance (3); Likely benign (1). Last evaluated 2025-09-11.

Conditions:
Cardiomyopathy (CMYO). Also called: Cardiomyopathies. Identifiers: Orphanet 167848, MedGen C0878544, MONDO:0004994, HP:0001638. Inheritance: Various modes of inheritance.
Catecholaminergic polymorphic ventricular tachycardia 1. Also called: VENTRICULAR TACHYCARDIA, STRESS-INDUCED POLYMORPHIC 1; VENTRICULAR TACHYCARDIA, CATECHOLAMINERGIC POLYMORPHIC, 1, WITH OR WITHOUT ATRIAL DYSFUNCTION AND/OR DILATED CARDIOMYOPATHY; RYR2-Related Catecholaminergic Polymorphic Ventricular Tachycardia. Identifiers: Orphanet 3286, MedGen C1631597, MONDO:0011484, OMIM 604772.
Catecholaminergic polymorphic ventricular tachycardia (CVPT). Also called: Catecholamine-induced polymorphic ventricular tachycardia. Identifiers: Orphanet 3286, MedGen C5574922, MONDO:0017990.

Allele frequency attached by ClinVar (database versions not stated): gnomAD 0.00001.

Submissions (4):

Mayo Clinic Laboratories, Mayo Clinic
Classification: Uncertain significance. Last evaluated: 2025-09-11. Review status: criteria provided, single submitter. Criteria: ACMG Guidelines, 2015. Collection method: clinical testing. Allele origin: germline. Observed: 1 variant allele.
Comment: PM2_supporting

Labcorp Genetics (formerly Invitae), Labcorp
Classification: Likely benign for Catecholaminergic polymorphic ventricular tachycardia 1. Last evaluated: 2023-08-20. Review status: criteria provided, single submitter. Criteria: Invitae Variant Classification Sherloc (09022015). Collection method: clinical testing. Allele origin: germline.

All of Us Research Program, National Institutes of Health
Classification: Uncertain significance for Catecholaminergic polymorphic ventricular tachycardia. Last evaluated: 2023-08-15. Review status: criteria provided, single submitter. Criteria: ACMG Guidelines, 2015. Collection method: clinical testing. Allele origin: germline. Inheritance: Autosomal dominant inheritance. Observed: 1 variant allele, 1 heterozygote.
Comment: This missense variant replaces threonine with lysine at codon 279 of the RYR2 protein. Computational prediction is inconclusive regarding the impact of this variant on protein structure and function (internally defined REVEL score threshold 0.5 < inconclusive < 0.7, PMID: 27666373). To our knowledge, functional studies have not been reported for this variant. This variant has not been reported in individuals affected with cardiovascular disorders in the literature. This variant has been identified in 1/31382 chromosomes in the general population by the Genome Aggregation Database (gnomAD). The available evidence is insufficient to determine the role of this variant in disease conclusively. Therefore, this variant is classified as a Variant of Uncertain Significance.

This study involves interpretation of variants in research participants for the purpose of population health screening. Participant phenotype was not available at the time of variant classification. Additional details can be found in publication PMID: 35346344, PMCID: PMC8962531

Color Diagnostics, LLC DBA Color Health
Classification: Uncertain significance for Cardiomyopathy. Last evaluated: 2020-08-25. Review status: criteria provided, single submitter. Criteria: ACMG Guidelines, 2015. Collection method: clinical testing. Allele origin: germline.
Comment: This missense variant replaces threonine with lysine at codon 279 of the RYR2 protein. Computational prediction is inconclusive regarding the impact of this variant on protein structure and function (internally defined REVEL score threshold 0.5 < inconclusive < 0.7, PMID: 27666373). To our knowledge, functional studies have not been reported for this variant. This variant has not been reported in individuals affected with cardiovascular disorders in the literature. This variant has been identified in 1/31382 chromosomes in the general population by the Genome Aggregation Database (gnomAD). The available evidence is insufficient to determine the role of this variant in disease conclusively. Therefore, this variant is classified as a Variant of Uncertain Significance.

NM_001035.3(RYR2):c.836C>A (p.Thr279Lys)

Gene: RYR2 (ryanodine receptor 2; plus strand). Cytogenetic location: 1q43.
Variant type: single nucleotide variant.
Coding change: c.836C>A on transcript NM_001035.3 (MANE Select); coding-DNA position 836, C replaced by A.
Protein change: p.Thr279Lys; replaces threonine 279 with lysine.
Molecular consequence: missense variant.
Genome position (GRCh38, 1-based): chr1:237,417,111, C>A. VCF-style: chr1-237417111-C-A. GRCh37 (hg19) VCF-style: chr1-237580411-C-A.
Other names: p.Thr279Lys; short protein forms T279K.
Identifiers: ClinVar variation 1171104 (VCV001171104.7), dbSNP rs754312807, ClinGen allele CA345383834.